The following is an entry in ClinVar:

ClinVar aggregate classification (germline): Benign/Likely benign. Review status: criteria provided, multiple submitters, no conflicts (2 of 4 stars). 4 submissions from 4 submitters: Benign (3); Likely benign (1). Last evaluated 2026-02-02.

Conditions:
AAAS-related disorder. Also called: AAAS-related condition.

Allele frequency attached by ClinVar (database versions not stated): ExAC 0.00235; ESP Exome Variant Server 0.00738; gnomAD 0.00796 and 0.00840; TOPMed 0.00926; 1000 Genomes Project 30x 0.01234; 1000 Genomes Project 0.01238; gnomAD exomes 0.00074 and 0.00194.
gnomAD v4.1: 2,357 of 1,614,100 alleles (0.15%); highest among the groups gnomAD compares: African/African-American, 2.7%; 37 homozygotes.

Submissions (4):

Labcorp Genetics (formerly Invitae), Labcorp
Classification: Benign. Last evaluated: 2026-02-02. Review status: criteria provided, single submitter. Criteria: Invitae Variant Classification Sherloc (09022015). Collection method: clinical testing. Allele origin: germline.

PreventionGenetics, part of Exact Sciences
Classification: Benign for AAAS-related condition. Last evaluated: 2025-05-02. Review status: criteria provided, single submitter. Criteria: ACMG Guidelines, 2015. Collection method: clinical testing. Allele origin: germline.
Comment: This variant is classified as benign based on ACMG/AMP sequence variant interpretation guidelines (Richards et al. 2015 PMID: 25741868, with internal and published modifications).

Mayo Clinic Laboratories, Mayo Clinic
Classification: Benign. Last evaluated: 2021-06-25. Review status: criteria provided, single submitter. Criteria: ACMG Guidelines, 2015. Collection method: clinical testing. Allele origin: germline. Observed: 7 variant alleles.

Breakthrough Genomics
Classification: Likely benign. Review status: criteria provided, single submitter. Criteria: ACMG Guidelines, 2015. Collection method: not provided. Allele origin: germline. Inheritance: Autosomal recessive inheritance. Affected: yes.

NM_015665.6(AAAS):c.1597G>A (p.Gly533Arg)

Gene: AAAS (aladin WD repeat nucleoporin; minus strand). Cytogenetic location: 12q13.13.
Variant type: single nucleotide variant.
Coding change: c.1597G>A on transcript NM_015665.6 (MANE Select); coding-DNA position 1597, G replaced by A.
Protein change: p.Gly533Arg; replaces glycine 533 with arginine.
Molecular consequence: missense variant.
Genome position (GRCh38, 1-based): chr12:53,307,533, C>T on the plus strand (G>A on the coding strand, the complement: AAAS is on the minus strand). VCF-style: chr12-53307533-C-T. GRCh37 (hg19) VCF-style: chr12-53701317-C-T.
Other names: p.Gly533Arg; c.1498G>A, p.Gly500Arg (NM_001173466.2); short protein forms G533R, G500R.
Identifiers: ClinVar variation 309718 (VCV000309718.16), dbSNP rs34451260, ClinGen allele CA6598796.